The following is an entry in ClinVar:

ClinVar aggregate classification (germline): Benign/Likely benign. Review status: criteria provided, multiple submitters, no conflicts (2 of 4 stars). 4 submissions from 4 submitters: Benign (1); Likely benign (2). 1 of the submissions does not count toward it. Last evaluated 2024-11-25.

Conditions:
CACNA1H-related disorder.

Allele frequency attached by ClinVar (database versions not stated): gnomAD 0.00202 and 0.00232; TOPMed 0.00273; gnomAD exomes 0.00327; ExAC 0.00359; 1000 Genomes Project 0.00539; 1000 Genomes Project 30x 0.00609.
gnomAD v4.1: 1,827 of 1,555,052 alleles (0.12%); highest among the groups gnomAD compares: Admixed American, 1.9%; 21 homozygotes.

Submissions (4):

Athena Diagnostics
Classification: Benign. Last evaluated: 2024-11-25. Review status: criteria provided, single submitter. Criteria: Athena Diagnostics Criteria. Collection method: clinical testing. Allele origin: unknown.

GeneDx
Classification: Likely benign. Last evaluated: 2021-09-11. Review status: criteria provided, single submitter. Criteria: GeneDx Variant Classification Process June 2021. Collection method: clinical testing. Allele origin: germline. Affected: yes.

Breakthrough Genomics
Classification: Likely benign. Review status: criteria provided, single submitter. Criteria: ACMG Guidelines, 2015. Collection method: not provided. Allele origin: germline. Inheritance: Autosomal dominant inheritance. Affected: yes.

PreventionGenetics, part of Exact Sciences
Classification: Benign for CACNA1H-related condition. Last evaluated: 2019-05-10. Review status: no assertion criteria provided. Collection method: clinical testing. Allele origin: germline. Not counted in ClinVar's aggregate classification.
Comment: This variant is classified as benign based on ACMG/AMP sequence variant interpretation guidelines (Richards et al. 2015 PMID: 25741868, with internal and published modifications).

NM_021098.3(CACNA1H):c.*10T>A

Gene: CACNA1H (calcium voltage-gated channel subunit alpha1 H; plus strand). Cytogenetic location: 16p13.3.
Variant type: single nucleotide variant.
Coding change: c.*10T>A on transcript NM_021098.3 (MANE Select); 10 bases downstream of the stop codon, T replaced by A.
Molecular consequence: 3 prime UTR variant.
Genome position (GRCh38, 1-based): chr16:1,221,004, T>A. VCF-style: chr16-1221004-T-A. GRCh37 (hg19) VCF-style: chr16-1271004-T-A.
Other names: c.*10T>A (NM_001005407.2).
Identifiers: ClinVar variation 804672 (VCV000804672.7), dbSNP rs59336915, ClinGen allele CA7802593.
Genomic context (GRCh38, chr16:1,221,004, plus strand): 5'-TCCCCCTCAGCCACCCCTGCCCCAGGGGGTGGTGCAGATGACCCCGTGTAGCTCGGGGCT[T>A]GGTGCCGCCCACGGCTTTGGCCCTGGGGTCTGGGGGCCCCGCTGGGGTGGAGGCCCAGGC-3'